The following is an entry in ClinVar:

ClinVar aggregate classification (germline): Uncertain significance (1 of 4 stars; one submission).

Conditions:
Hereditary cancer-predisposing syndrome. Also called: Neoplastic Syndromes, Hereditary; Hereditary Cancer Syndrome; Hereditary neoplastic syndrome; Tumor predisposition. Identifiers: Orphanet 140162, MedGen C0027672, MeSH D009386, MONDO:0015356.

Submission:

Ambry Genetics
Classification: Uncertain significance for Hereditary cancer-predisposing syndrome. Last evaluated: 2023-04-07. Review status: criteria provided, single submitter. Criteria: Ambry Variant Classification Scheme 2023. Collection method: clinical testing. Allele origin: germline.
Comment: The p.V439I variant (also known as c.1315G>A), located in coding exon 9 of the PTCH1 gene, results from a G to A substitution at nucleotide position 1315. The valine at codon 439 is replaced by isoleucine, an amino acid with highly similar properties. This amino acid position is conserved. In addition, this alteration is predicted to be tolerated by in silico analysis. Since supporting evidence is limited at this time, the clinical significance of this alteration remains unclear.

NM_000264.5(PTCH1):c.1315G>A (p.Val439Ile)

Gene: PTCH1 (patched 1; minus strand). Cytogenetic location: 9q22.32.
Variant type: single nucleotide variant.
Coding change: c.1315G>A on transcript NM_000264.5 (MANE Select); coding-DNA position 1315, G replaced by A.
Protein change: p.Val439Ile; replaces valine 439 with isoleucine.
Molecular consequence: missense variant. On other transcripts: non-coding transcript variant (1).
Genome position (GRCh38, 1-based): chr9:95,478,087, C>T on the plus strand (G>A on the coding strand, the complement: PTCH1 is on the minus strand). VCF-style: chr9-95478087-C-T. GRCh37 (hg19) VCF-style: chr9-98240369-C-T.
Other names: c.1117G>A, p.Val373Ile (NM_001083602.3); c.1312G>A, p.Val438Ile (NM_001083603.3); c.862G>A, p.Val288Ile (NM_001083604.3, NM_001083605.3, NM_001083606.3 and 1 more transcripts); c.1315G>A, p.Val439Ile (NM_001354918.2); short protein forms V439I, V373I, V438I, V288I.
Identifiers: ClinVar variation 2564371 (VCV002564371.2), dbSNP rs2118331291, ClinGen allele CA374118763.